The following is an entry in ClinVar:

NM_170601.5(SIAE):c.1193G>T (p.Gly398Val)

Gene: SIAE (sialic acid acetylesterase; minus strand). Cytogenetic location: 11q24.2.
Variant type: single nucleotide variant.
Coding change: c.1193G>T on transcript NM_170601.5 (MANE Select); coding-DNA position 1193, G replaced by T.
Protein change: p.Gly398Val; replaces glycine 398 with valine.
Molecular consequence: missense variant.
Genome position (GRCh38, 1-based): chr11:124,638,669, C>A on the plus strand (G>T on the coding strand, the complement: SIAE is on the minus strand). VCF-style: chr11-124638669-C-A. GRCh37 (hg19) VCF-style: chr11-124508565-C-A.
Other names: c.1088G>T, p.Gly363Val (NM_001199922.2); short protein forms G398V, G363V.
Identifiers: ClinVar variation 2836684 (VCV002836684.3), dbSNP rs2496879683, ClinGen allele CA383144561.
Genomic context (GRCh38, chr11:124,638,669, plus strand): 5'-TTGTGAGCCAAGAGTTCTATCTTCTCAGGCAGTGGTCCTTCAAAGGTCAAATTCTTCTCA[C>A]CATAAGCCAGAGCACGGGCCCCCAAATGCAGCCGATAAGCCACAGTCTGTTTATCTCGAG-3'
Protein context (NP_733746.1, residues 388-408): LHLGARALAY[Gly398Val]EKNLTFEGPL

ClinVar aggregate classification (germline): Uncertain significance (1 of 4 stars; one submission).

Submission:

Labcorp Genetics (formerly Invitae), Labcorp
Classification: Uncertain significance. Last evaluated: 2023-02-13. Review status: criteria provided, single submitter. Criteria: Invitae Variant Classification Sherloc (09022015). Collection method: clinical testing. Allele origin: germline.
Comment: In summary, the available evidence is currently insufficient to determine the role of this variant in disease. Therefore, it has been classified as a Variant of Uncertain Significance. Algorithms developed to predict the effect of missense changes on protein structure and function are either unavailable or do not agree on the potential impact of this missense change (SIFT: "Deleterious"; PolyPhen-2: "Probably Damaging"; Align-GVGD: "Class C15"). This variant has not been reported in the literature in individuals affected with SIAE-related conditions. This variant is not present in population databases (gnomAD no frequency). This sequence change replaces glycine, which is neutral and non-polar, with valine, which is neutral and non-polar, at codon 398 of the SIAE protein (p.Gly398Val).